The following is an entry in ClinVar:

NM_000088.4(COL1A1):c.319ACC[1] (p.Thr108del)

Gene: COL1A1 (collagen type I alpha 1 chain; minus strand). Cytogenetic location: 17q21.33.
Variant type: Microsatellite.
Coding change: c.319ACC[1] on transcript NM_000088.4 (MANE Select); one copy of the 3-base unit ACC starting at c.319; the reference has two copies in a row; one copy, 3 bases deleted.
Protein change: p.Thr108del; deletes threonine 108.
Molecular consequence: inframe deletion.
Genome position (GRCh38, 1-based): chr17:50,199,565-50,199,567, GGT deleted on the plus strand (ACC on the coding strand, the reverse complement: COL1A1 is on the minus strand); deleting any 3 consecutive bases within chr17:50,199,565-50,199,570 gives the same sequence; the position shown is the placement nearest the transcript's 3' end. VCF-style (leftmost placement, unchanged base first): chr17-50199564-CGGT-C. GRCh37 (hg19) VCF-style: chr17-48276925-CGGT-C.
Other names: short protein forms T108del.
Identifiers: ClinVar variation 2090399 (VCV002090399.4), dbSNP rs2509256099, ClinGen allele CA2580612660.

ClinVar aggregate classification (germline): Uncertain significance (1 of 4 stars; one submission).

Conditions:
Osteogenesis imperfecta type I (OI1). Also called: Lobstein disease; Lobstein's Disease; Osteogenesis imperfecta type 1; Classic Non-deforming Osteogenesis Imperfecta with Blue Sclerae; OI, TYPE I; OSTEOGENESIS IMPERFECTA TARDA. Identifiers: Orphanet 216796, Orphanet 666, MedGen C0023931, MONDO:0008146, OMIM 166200. Disease mechanism: loss of function.

Submission:

Labcorp Genetics (formerly Invitae), Labcorp
Classification: Uncertain significance for Osteogenesis imperfecta type I. Last evaluated: 2022-07-18. Review status: criteria provided, single submitter. Criteria: Invitae Variant Classification Sherloc (09022015). Collection method: clinical testing. Allele origin: germline.
Comment: In summary, the available evidence is currently insufficient to determine the role of this variant in disease. Therefore, it has been classified as a Variant of Uncertain Significance. Experimental studies and prediction algorithms are not available or were not evaluated, and the functional significance of this variant is currently unknown. This variant has not been reported in the literature in individuals affected with COL1A1-related conditions. This variant is not present in population databases (gnomAD no frequency). This variant, c.322_324del, results in the deletion of 1 amino acid(s) of the COL1A1 protein (p.Thr108del), but otherwise preserves the integrity of the reading frame.